The following is an entry in ClinVar:

NM_000465.4(BARD1):c.1481A>G (p.Asn494Ser)

Gene: BARD1 (BRCA1 associated RING domain 1; minus strand). Cytogenetic location: 2q35.
Variant type: single nucleotide variant.
Coding change: c.1481A>G on transcript NM_000465.4 (MANE Select); coding-DNA position 1481, A replaced by G.
Protein change: p.Asn494Ser; replaces asparagine 494 with serine.
Molecular consequence: missense variant. On other transcripts: non-coding transcript variant (3), intron variant (3).
Genome position (GRCh38, 1-based): chr2:214,767,569, T>C on the plus strand (A>G on the coding strand, the complement: BARD1 is on the minus strand). VCF-style: chr2-214767569-T-C. GRCh37 (hg19) VCF-style: chr2-215632293-T-C.
Other names: c.1424A>G, p.Asn475Ser (NM_001282543.2); c.159-15014A>G (NM_001282548.2); c.216-15014A>G (NM_001282545.2); c.364+24728A>G (NM_001282549.2); short protein forms N494S, N475S.
Identifiers: ClinVar variation 140870 (VCV000140870.19), dbSNP rs587781334, ClinGen allele CA163788.
Genomic context (GRCh38, chr2:214,767,569, plus strand): 5'-AGTAACAGCTTGACTATATCCACATGCCCATTCTTGGCTGCATCGTGAAGTGGTGAGTCA[T>C]TTTGATACCCGGTGGTGTTCACCAATGCCTTATGCTGGAGCAATAATTCCACTACCTTCA-3'
Protein context (NP_000456.2, residues 484-504): KALVNTTGYQ[Asn494Ser]DSPLHDAAKN

ClinVar aggregate classification (germline): Uncertain significance. Review status: criteria provided, multiple submitters, no conflicts (2 of 4 stars). 3 submissions from 3 submitters: Uncertain significance (3). Last evaluated 2025-01-19.

Conditions:
Hereditary cancer-predisposing syndrome. Also called: Neoplastic Syndromes, Hereditary; Tumor predisposition; Hereditary Cancer Syndrome; Hereditary neoplastic syndrome. Identifiers: Orphanet 140162, MedGen C0027672, MeSH D009386, MONDO:0015356.
Familial cancer of breast. Also called: BREAST CANCER, FAMILIAL; Hereditary breast cancer; hereditary breast carcinoma. Identifiers: Orphanet 227535, MedGen C0346153, MONDO:0016419, OMIM 114480. Disease mechanism: loss of function.

Allele frequency attached by ClinVar (database versions not stated): gnomAD exomes below 0.00001.
gnomAD v4.1: 1 of 1,614,078 alleles (0.000062%); highest among the groups gnomAD compares: Non-Finnish European, 0.000085%; no homozygotes.

Submissions (3):

Color Diagnostics, LLC DBA Color Health
Classification: Uncertain significance for Hereditary cancer-predisposing syndrome. Last evaluated: 2025-01-19. Review status: criteria provided, single submitter. Criteria: ACMG Guidelines, 2015. Collection method: clinical testing. Allele origin: germline.
Comment: This missense variant replaces asparagine with serine at codon 494 of the BARD1 protein. Computational prediction suggests that this variant may not impact protein structure and function (internally defined REVEL score threshold <= 0.5, PMID: 27666373). To our knowledge, functional studies have not been reported for this variant. This variant has not been reported in individuals affected with BARD1-related disorders in the literature. This variant has not been identified in the general population by the Genome Aggregation Database (gnomAD). The available evidence is insufficient to determine the role of this variant in disease conclusively. Therefore, this variant is classified as a Variant of Uncertain Significance.

Ambry Genetics
Classification: Uncertain significance for Hereditary cancer-predisposing syndrome. Last evaluated: 2023-04-25. Review status: criteria provided, single submitter. Criteria: Ambry Variant Classification Scheme 2023. Collection method: clinical testing. Allele origin: germline.
Comment: The p.N494S variant (also known as c.1481A>G), located in coding exon 6 of the BARD1 gene, results from an A to G substitution at nucleotide position 1481. The asparagine at codon 494 is replaced by serine, an amino acid with highly similar properties. This amino acid position is highly conserved in available vertebrate species. In addition, this alteration is predicted to be tolerated by in silico analysis. Since supporting evidence is limited at this time, the clinical significance of this alteration remains unclear.

Labcorp Genetics (formerly Invitae), Labcorp
Classification: Uncertain significance for Familial cancer of breast. Last evaluated: 2020-10-10. Review status: criteria provided, single submitter. Criteria: Invitae Variant Classification Sherloc (09022015). Collection method: clinical testing. Allele origin: germline.
Comment: This sequence change replaces asparagine with serine at codon 494 of the BARD1 protein (p.Asn494Ser). The asparagine residue is highly conserved and there is a small physicochemical difference between asparagine and serine. This variant is not present in population databases (ExAC no frequency). This variant has not been reported in the literature in individuals with BARD1-related conditions. ClinVar contains an entry for this variant (Variation ID: 140870). Algorithms developed to predict the effect of missense changes on protein structure and function (SIFT, PolyPhen-2, Align-GVGD) all suggest that this variant is likely to be disruptive, but these predictions have not been confirmed by published functional studies and their clinical significance is uncertain. Algorithms developed to predict the effect of sequence changes on RNA splicing suggest that this variant may create or strengthen a splice site, but this prediction has not been confirmed by published transcriptional studies. In summary, the available evidence is currently insufficient to determine the role of this variant in disease. Therefore, it has been classified as a Variant of Uncertain Significance.